The following is an entry in ClinVar:

ClinVar aggregate classification (germline): Pathogenic (1 of 4 stars; one submission).

Submission:

CeGaT Center for Human Genetics Tuebingen
Classification: Pathogenic. Last evaluated: 2022-05-01. Review status: criteria provided, single submitter. Criteria: CeGaT Center For Human Genetics Tuebingen Variant Classification Criteria Version 2. Collection method: clinical testing. Allele origin: germline. Affected: yes. Observed: 1 variant allele.
Comment: PAFAH1B1: PVS1, PS2, PM2

NM_000430.4(PAFAH1B1):c.954_955del (p.Lys318fs)

Gene: PAFAH1B1 (platelet activating factor acetylhydrolase 1b regulatory subunit 1; plus strand). Cytogenetic location: 17p13.3.
Variant type: Deletion.
Coding change: c.954_955del on transcript NM_000430.4 (MANE Select); coding-DNA positions 954 to 955, 2 bases deleted (GA; older notation c.954_955delGA).
Protein change: p.Lys318fs; shifts the reading frame from lysine 318.
Molecular consequence: frameshift variant.
Genome position (GRCh38, 1-based): chr17:2,676,558-2,676,559, GA deleted; deleting any 2 consecutive bases within chr17:2,676,557-2,676,559 gives the same sequence; the c. name uses the placement nearest the transcript's 3' end. VCF-style (leftmost placement, unchanged base first): chr17-2676556-AAG-A. GRCh37 (hg19) VCF-style: chr17-2579850-AAG-A.
Other names: short protein forms K318fs.
Identifiers: ClinVar variation 1694810 (VCV001694810.31), dbSNP rs2151669999, ClinGen allele CA2580092577.